The following is an entry in ClinVar:

ClinVar aggregate classification (germline): Conflicting classifications of pathogenicity. Review status: criteria provided, conflicting classifications (1 of 4 stars). 9 submissions from 8 submitters: Uncertain significance (2); Likely benign (5). 2 of the submissions do not count toward it. Last evaluated 2026-09-01.

Conditions:
Fibrochondrogenesis 1 (FBCG1). Identifiers: Orphanet 2021, MedGen C3278138, MONDO:0009226, OMIM 228520.
Stickler syndrome type 2 (STL2). Also called: STICKLER SYNDROME, TYPE II; COL11A1-Related Stickler Syndrome; STICKLER SYNDROME, BEADED VITREOUS TYPE; STICKLER SYNDROME, VITREOUS TYPE 2. Identifiers: Orphanet 828, Orphanet 90654, MedGen C1858084, MONDO:0011493, OMIM 604841.

Allele frequency attached by ClinVar (database versions not stated): TOPMed 0.00057; ESP Exome Variant Server 0.00062; gnomAD 0.00070 and 0.00072; gnomAD exomes 0.00071; 1000 Genomes Project 30x 0.00094; 1000 Genomes Project 0.00100; ExAC 0.00113.
gnomAD v4.1: 1,370 of 1,606,646 alleles (0.085%); highest among the groups gnomAD compares: Middle Eastern, 0.46%; 1 homozygote.

Submissions (9):

CeGaT Center for Human Genetics Tuebingen
Classification: Likely benign. Last evaluated: 2026-09-01. Review status: criteria provided, single submitter. Criteria: CeGaT Center For Human Genetics Tuebingen Variant Classification Criteria Version 2. Collection method: clinical testing. Allele origin: germline. Affected: yes. Observed: 6 variant alleles.
Comment: COL11A1: BP4, BP7

Labcorp Genetics (formerly Invitae), Labcorp
Classification: Likely benign. Last evaluated: 2026-02-01. Review status: criteria provided, single submitter. Criteria: Invitae Variant Classification Sherloc (09022015). Collection method: clinical testing. Allele origin: germline.

Blueprint Genetics
Classification: Likely benign. Last evaluated: 2024-11-20. Review status: criteria provided, single submitter. Criteria: ACMG Guidelines, 2015. Collection method: clinical testing. Allele origin: germline.

GeneDx
Classification: Likely benign. Last evaluated: 2021-03-16. Review status: criteria provided, single submitter. Criteria: GeneDx Variant Classification Process June 2021. Collection method: clinical testing. Allele origin: germline. Affected: yes.

Illumina Laboratory Services, Illumina
Classification: Uncertain significance for Fibrochondrogenesis 1. Last evaluated: 2018-01-13. Review status: criteria provided, single submitter. Criteria: ICSL Variant Classification Criteria 13 December 2019. Collection method: clinical testing. Allele origin: germline.

Illumina Laboratory Services, Illumina
Classification: Likely benign for Stickler syndrome type 2. Last evaluated: 2018-01-13. Review status: criteria provided, single submitter. Criteria: ICSL Variant Classification Criteria 13 December 2019. Collection method: clinical testing. Allele origin: germline.
Comment: This variant was observed in the ICSL laboratory as part of a predisposition screen in an ostensibly healthy population. It had not been previously curated by ICSL or reported in the Human Gene Mutation Database (HGMD: prior to June 1st, 2018), and was therefore a candidate for classification through an automated scoring system. Utilizing variant allele frequency, disease prevalence and penetrance estimates, and inheritance mode, an automated score was calculated to assess if this variant is too frequent to cause the disease. Based on the score and internal cut-off values, a variant classified as likely benign is not then subjected to further curation. The score for this variant resulted in a classification of likely benign for this disease.

Eurofins Ntd Llc (ga)
Classification: Uncertain significance. Last evaluated: 2017-10-17. Review status: criteria provided, single submitter. Criteria: EGL Classification Definitions 2015. Collection method: clinical testing. Allele origin: germline. Observed: 3 variant alleles, 3 heterozygotes.

Clinical Genetics DNA and cytogenetics Diagnostics Lab, Erasmus MC, Erasmus Medical Center
Classification: Likely benign. Review status: no assertion criteria provided. Collection method: clinical testing. Allele origin: germline. Affected: yes. Study: VKGL Data-share Consensus. Not counted in ClinVar's aggregate classification.

Clinical Genetics, Academic Medical Center
Classification: Benign. Review status: no assertion criteria provided. Collection method: clinical testing. Allele origin: germline. Affected: yes. Study: VKGL Data-share Consensus. Not counted in ClinVar's aggregate classification.

NM_001854.4(COL11A1):c.3639G>A (p.Gly1213=)

Gene: COL11A1 (collagen type XI alpha 1 chain; minus strand). Cytogenetic location: 1p21.1.
Variant type: single nucleotide variant.
Coding change: c.3639G>A on transcript NM_001854.4 (MANE Select); coding-DNA position 3639, G replaced by A.
Protein change: p.Gly1213=; no amino-acid change (glycine 1213 retained).
Molecular consequence: synonymous variant. On other transcripts: non-coding transcript variant (1).
Genome position (GRCh38, 1-based): chr1:102,923,351, C>T on the plus strand (G>A on the coding strand, the complement: COL11A1 is on the minus strand). VCF-style: chr1-102923351-C-T. GRCh37 (hg19) VCF-style: chr1-103388907-C-T.
Other names: c.3522G>A, p.Gly1174= (NM_001190709.2); c.3675G>A, p.Gly1225= (NM_080629.3); c.3291G>A, p.Gly1097= (NM_080630.4).
Identifiers: ClinVar variation 289661 (VCV000289661.44), dbSNP rs143651470, ClinGen allele CA973919.
Genomic context (GRCh38, chr1:102,923,351, plus strand): 5'-ATGCATATAACACATACCCATCAAACACCAAAAATAAAAACTTACCATGGGACCAACATC[C>T]CCATTTTCACCTTTTTCACCAGGTGGGCCTGGCAGACCCTAAGAAAATATAATAGAAAAA-3'
Protein context (NP_001845.3, residues 1203-1223): PGPPGEKGEN[Gly1213=]DVGPMGPPGP